The following is an entry in ClinVar:

ClinVar aggregate classification (germline): Likely benign (1 of 4 stars; one submission).

Allele frequency attached by ClinVar (database versions not stated): gnomAD exomes 0.00040; ExAC 0.00107; 1000 Genomes Project 0.00280; 1000 Genomes Project 30x 0.00312; ESP Exome Variant Server 0.00338; gnomAD 0.00358; TOPMed 0.00421.
gnomAD v4.1: 1,160 of 1,614,176 alleles (0.072%); highest among the groups gnomAD compares: African/African-American, 1.3%; 4 homozygotes.

Submission:

CeGaT Center for Human Genetics Tuebingen
Classification: Likely benign. Last evaluated: 2025-05-01. Review status: criteria provided, single submitter. Criteria: CeGaT Center For Human Genetics Tuebingen Variant Classification Criteria Version 2. Collection method: clinical testing. Allele origin: germline. Affected: yes. Observed: 2 variant alleles.
Comment: FBXW11: BP4, BP7, BS1

NM_001378974.1(FBXW11):c.1038C>T (p.His346=)

Gene: FBXW11 (F-box and WD repeat domain containing 11; minus strand). Cytogenetic location: 5q35.1.
Variant type: single nucleotide variant.
Coding change: c.1038C>T on transcript NM_001378974.1 (MANE Select); coding-DNA position 1038, C replaced by T.
Protein change: p.His346=; no amino-acid change (histidine 346 retained).
Molecular consequence: synonymous variant.
Genome position (GRCh38, 1-based): chr5:171,876,468, G>A on the plus strand (C>T on the coding strand, the complement: FBXW11 is on the minus strand). VCF-style: chr5-171876468-G-A. GRCh37 (hg19) VCF-style: chr5-171303472-G-A.
Other names: c.969C>T, p.His323= (NM_001378975.1); c.942C>T, p.His314= (NM_001378976.1); c.879C>T, p.His293= (NM_001378977.1, NM_001378978.1, NM_001378979.1); c.873C>T, p.His291= (NM_001378980.1, NM_033645.3); c.975C>T, p.His325= (NM_012300.3); c.936C>T, p.His312= (NM_033644.3).
Identifiers: ClinVar variation 2498993 (VCV002498993.28), dbSNP rs146880247, ClinGen allele CA3559264.